The following is an entry in ClinVar:

ClinVar aggregate classification (germline): Uncertain significance (1 of 4 stars; one submission).

Conditions:
Inflammatory skin and bowel disease, neonatal, 1. Identifiers: Orphanet 294023, MedGen C3280501, MONDO:0013693, OMIM 614328.

Allele frequency attached by ClinVar (database versions not stated): 1000 Genomes Project 0.00020; ExAC 0.00004; gnomAD 0.00006; gnomAD exomes 0.00006; TOPMed 0.00012; 1000 Genomes Project 30x 0.00016.
gnomAD v4.1: 185 of 1,614,222 alleles (0.011%); highest among the groups gnomAD compares: Non-Finnish European, 0.015%; no homozygotes.

Submission:

Labcorp Genetics (formerly Invitae), Labcorp
Classification: Uncertain significance for Inflammatory skin and bowel disease, neonatal, 1. Last evaluated: 2022-08-23. Review status: criteria provided, single submitter. Criteria: Invitae Variant Classification Sherloc (09022015). Collection method: clinical testing. Allele origin: germline.
Comment: This sequence change replaces glycine, which is neutral and non-polar, with serine, which is neutral and polar, at codon 511 of the ADAM17 protein (p.Gly511Ser). This variant is present in population databases (rs554069834, gnomAD 0.01%). This variant has not been reported in the literature in individuals affected with ADAM17-related conditions. ClinVar contains an entry for this variant (Variation ID: 472723). Algorithms developed to predict the effect of missense changes on protein structure and function are either unavailable or do not agree on the potential impact of this missense change (SIFT: "Not Available"; PolyPhen-2: "Benign"; Align-GVGD: "Not Available"). In summary, the available evidence is currently insufficient to determine the role of this variant in disease. Therefore, it has been classified as a Variant of Uncertain Significance.

NM_003183.6(ADAM17):c.1531G>A (p.Gly511Ser)

Genes: ADAM17 (ADAM metallopeptidase domain 17; minus strand), IAH1 (isoamyl acetate hydrolyzing esterase 1 (putative); plus strand). Cytogenetic location: 2p25.1.
Variant type: single nucleotide variant.
Coding change: c.1531G>A on transcript NM_003183.6 (MANE Select); coding-DNA position 1531, G replaced by A.
Protein change: p.Gly511Ser; replaces glycine 511 with serine.
Molecular consequence: missense variant.
Genome position (GRCh38, 1-based): chr2:9,505,179, C>T on the plus strand (G>A on the coding strand, the complement: ADAM17 is on the minus strand). VCF-style: chr2-9505179-C-T. GRCh37 (hg19) VCF-style: chr2-9645308-C-T.
Other names: c.1531G>A, p.Gly511Ser (LRG_1203t1); short protein forms G511S.
Identifiers: ClinVar variation 472723 (VCV000472723.7), dbSNP rs554069834, ClinGen allele CA1523486.